The following is an entry in ClinVar:

NM_018136.5(ASPM):c.698G>A (p.Gly233Asp)

Gene: ASPM (assembly factor for spindle microtubules; minus strand). Cytogenetic location: 1q31.3.
Variant type: single nucleotide variant.
Coding change: c.698G>A on transcript NM_018136.5 (MANE Select); coding-DNA position 698, G replaced by A.
Protein change: p.Gly233Asp; replaces glycine 233 with aspartic acid.
Molecular consequence: missense variant.
Genome position (GRCh38, 1-based): chr1:197,143,554, C>T on the plus strand (G>A on the coding strand, the complement: ASPM is on the minus strand). VCF-style: chr1-197143554-C-T. GRCh37 (hg19) VCF-style: chr1-197112684-C-T.
Other names: c.698G>A, p.Gly233Asp (NM_001206846.2); short protein forms G233D.
Identifiers: ClinVar variation 1714238 (VCV001714238.5), dbSNP rs758801375, ClinGen allele CA1310822.

ClinVar aggregate classification (germline): Uncertain significance (1 of 4 stars; one submission).

Allele frequency attached by ClinVar (database versions not stated): gnomAD exomes below 0.00001; ExAC 0.00001.
gnomAD v4.1: 1 of 1,613,694 alleles (0.000062%); highest among the groups gnomAD compares: Non-Finnish European, 0.000085%; no homozygotes.

Submission:

Labcorp Genetics (formerly Invitae), Labcorp
Classification: Uncertain significance. Last evaluated: 2022-11-08. Review status: criteria provided, single submitter. Criteria: Invitae Variant Classification Sherloc (09022015). Collection method: clinical testing. Allele origin: germline.
Comment: In summary, the available evidence is currently insufficient to determine the role of this variant in disease. Therefore, it has been classified as a Variant of Uncertain Significance. Advanced modeling of protein sequence and biophysical properties (such as structural, functional, and spatial information, amino acid conservation, physicochemical variation, residue mobility, and thermodynamic stability) performed at Invitae indicates that this missense variant is not expected to disrupt ASPM protein function. This variant has not been reported in the literature in individuals affected with ASPM-related conditions. This variant is present in population databases (rs758801375, gnomAD 0.0009%). This sequence change replaces glycine, which is neutral and non-polar, with aspartic acid, which is acidic and polar, at codon 233 of the ASPM protein (p.Gly233Asp).